The following is an entry in ClinVar:

ClinVar aggregate classification (germline): Likely benign (1 of 4 stars; one submission).

Allele frequency attached by ClinVar (database versions not stated): gnomAD exomes below 0.00001; ExAC 0.00001.
gnomAD v4.1: 2 of 1,613,750 alleles (0.00012%); highest among the groups gnomAD compares: Admixed American, 0.0017%; no homozygotes.

Submission:

CeGaT Center for Human Genetics Tuebingen
Classification: Likely benign. Last evaluated: 2022-07-01. Review status: criteria provided, single submitter. Criteria: CeGaT Center For Human Genetics Tuebingen Variant Classification Criteria Version 2. Collection method: clinical testing. Allele origin: germline. Affected: yes. Observed: 1 variant allele.
Comment: TRAK1: BP4, BP7

NM_001042646.3(TRAK1):c.2655T>A (p.Val885=)

Gene: TRAK1 (trafficking kinesin protein 1; plus strand). Cytogenetic location: 3p22.1.
Variant type: single nucleotide variant.
Coding change: c.2655T>A on transcript NM_001042646.3 (MANE Select); coding-DNA position 2655, T replaced by A.
Protein change: p.Val885=; no amino-acid change (valine 885 retained).
Molecular consequence: synonymous variant. On other transcripts: 3 prime UTR variant (1), non-coding transcript variant (1).
Genome position (GRCh38, 1-based): chr3:42,223,530, T>A. VCF-style: chr3-42223530-T-A. GRCh37 (hg19) VCF-style: chr3-42265022-T-A.
Other names: c.2280T>A, p.Val760= (NM_001349245.1); c.2592T>A, p.Val864= (NM_001349246.2); c.*609T>A (NM_001349247.2); c.2370T>A, p.Val790= (NM_001349248.1); c.2433T>A, p.Val811= (NM_001349249.1); c.2481T>A, p.Val827= (NM_001410741.1).
Identifiers: ClinVar variation 2653710 (VCV002653710.22), dbSNP rs765166980, ClinGen allele CA2333910.